The following is an entry in ClinVar:

ClinVar aggregate classification (germline): Likely pathogenic (1 of 4 stars; one submission).

Conditions:
SMARCA2-related disorder. Also called: SMARCA2-related condition.

Submission:

3billion
Classification: Likely pathogenic for SMARCA2-related disorder. Last evaluated: 2024-11-07. Review status: criteria provided, single submitter. Criteria: ACMG Guidelines, 2015. Collection method: clinical testing. Allele origin: germline. Affected: yes.
Comment: The variant is not observed in the gnomAD v4.1.0 dataset. Predicted Consequence/Location: Missense variant. Missense changes are a common disease-causing mechanism. In silico tool predictions suggest damaging effect of the variant on gene or gene product [REVEL: 0.93 (>=0.6, sensitivity 0.68 and specificity 0.92); 3Cnet: 0.99 (>=0.6, sensitivity 0.72 and precision 0.9)]. Therefore, this variant is classified as Likely pathogenic according to the recommendation of ACMG/AMP guideline.

NM_003070.5(SMARCA2):c.3407A>G (p.Gln1136Arg)

Gene: SMARCA2 (SWI/SNF related BAF chromatin remodeling complex subunit ATPase 2; plus strand). Cytogenetic location: 9p24.3.
Variant type: single nucleotide variant.
Coding change: c.3407A>G on transcript NM_003070.5 (MANE Select); coding-DNA position 3407, A replaced by G.
Protein change: p.Gln1136Arg; replaces glutamine 1136 with arginine.
Molecular consequence: missense variant.
Genome position (GRCh38, 1-based): chr9:2,110,368, A>G. VCF-style: chr9-2110368-A-G. GRCh37 (hg19) VCF-style: chr9-2110368-A-G.
Other names: c.3407A>G, p.Gln1136Arg (NM_001289396.2, NM_139045.4); c.3233A>G, p.Gln1078Arg (NM_001289397.2); short protein forms Q1078R, Q1136R.
Identifiers: ClinVar variation 4292092 (VCV004292092.1).